The following is an entry in ClinVar:

ClinVar aggregate classification (germline): Uncertain significance (1 of 4 stars; one submission).

Allele frequency attached by ClinVar (database versions not stated): gnomAD exomes 0.00005; ESP Exome Variant Server 0.00008.
gnomAD v4.1: 68 of 1,614,028 alleles (0.0042%); highest among the groups gnomAD compares: Non-Finnish European, 0.0055%; no homozygotes.

Submission:

GeneDx
Classification: Uncertain significance. Last evaluated: 2019-04-05. Review status: criteria provided, single submitter. Criteria: GeneDx Variant Classification Process June 2021. Collection method: clinical testing. Allele origin: germline. Affected: yes.
Comment: Not observed at a significant frequency in large population cohorts (Lek et al., 2016); In silico analysis, which includes protein predictors and evolutionary conservation, supports that this variant does not alter protein structure/function; Has not been previously published as pathogenic or benign to our knowledge

NM_004782.4(SNAP29):c.280A>T (p.Met94Leu)

Gene: SNAP29 (synaptosome associated protein 29; plus strand). Cytogenetic location: 22q11.21.
Variant type: single nucleotide variant.
Coding change: c.280A>T on transcript NM_004782.4 (MANE Select); coding-DNA position 280, A replaced by T.
Protein change: p.Met94Leu; replaces methionine 94 with leucine.
Molecular consequence: missense variant.
Genome position (GRCh38, 1-based): chr22:20,870,379, A>T. VCF-style: chr22-20870379-A-T. GRCh37 (hg19) VCF-style: chr22-21224667-A-T.
Other names: short protein forms M94L.
Identifiers: ClinVar variation 1305025 (VCV001305025.2), dbSNP rs150151231, ClinGen allele CA10117101.